The following is an entry in ClinVar:

ClinVar aggregate classification (germline): Pathogenic (1 of 4 stars; one submission).

Conditions:
Gastrointestinal stromal tumor. Also called: Gastrointestinal stromal tumor, somatic; Gastrointestinal stroma tumor. Identifiers: Orphanet 44890, MedGen C0238198, MeSH D046152, MONDO:0011719, OMIM 606764, HP:0100723.

Submission:

Labcorp Genetics (formerly Invitae), Labcorp
Classification: Pathogenic for Gastrointestinal stromal tumor. Last evaluated: 2025-04-13. Review status: criteria provided, single submitter. Criteria: Invitae Variant Classification Sherloc (09022015). Collection method: clinical testing. Allele origin: germline.
Comment: This sequence change creates a premature translational stop signal (p.Pro212Leufs*20) in the KIT gene. It is expected to result in an absent or disrupted protein product. Loss-of-function variants in KIT are known to be pathogenic (PMID: 15194144). This variant is not present in population databases (gnomAD no frequency). This variant has not been reported in the literature in individuals affected with KIT-related conditions. For these reasons, this variant has been classified as Pathogenic.

Literature cited by the submitters: PubMed 15194144.

NM_000222.3(KIT):c.635del (p.Pro212fs)

Gene: KIT (KIT proto-oncogene, receptor tyrosine kinase; plus strand). Cytogenetic location: 4q12.
Variant type: Deletion.
Coding change: c.635del on transcript NM_000222.3 (MANE Select); coding-DNA position 635, one base deleted (C; older notation c.635delC).
Protein change: p.Pro212fs; shifts the reading frame from proline 212.
Molecular consequence: frameshift variant.
Genome position (GRCh38, 1-based): chr4:54,699,645, C deleted; the last of 2 consecutive C bases (chr4:54,699,644-54,699,645); deleting either gives the same sequence. VCF-style (leftmost placement, unchanged base first): chr4-54699643-GC-G. GRCh37 (hg19) VCF-style: chr4-55565809-GC-G.
Other names: c.635del, p.Pro212fs (NM_001093772.2, NM_001385284.1, NM_001385285.1 and 4 more transcripts); short protein forms P212fs.
Identifiers: ClinVar variation 4717474 (VCV004717474.1).